The following is an entry in ClinVar:

NM_000368.5(TSC1):c.2864C>T (p.Thr955Ile)

Gene: TSC1 (TSC complex subunit 1; minus strand). Cytogenetic location: 9q34.13.
Variant type: single nucleotide variant.
Coding change: c.2864C>T on transcript NM_000368.5 (MANE Select); coding-DNA position 2864, C replaced by T.
Protein change: p.Thr955Ile; replaces threonine 955 with isoleucine.
Molecular consequence: missense variant.
Genome position (GRCh38, 1-based): chr9:132,897,295, G>A on the plus strand (C>T on the coding strand, the complement: TSC1 is on the minus strand). VCF-style: chr9-132897295-G-A. GRCh37 (hg19) VCF-style: chr9-135772682-G-A.
Other names: c.2861C>T, p.Thr954Ile (NM_001162426.2, NM_001406597.1, NM_001406598.1 and 2 more transcripts); c.2711C>T, p.Thr904Ile (NM_001162427.2, NM_001406610.1); c.2501C>T, p.Thr834Ile (NM_001362177.2, NM_001406614.1, NM_001406615.1 and 4 more transcripts); c.2864C>T, p.Thr955Ile (NM_001406592.1, NM_001406593.1, NM_001406594.1 and 2 more transcripts); c.2849C>T, p.Thr950Ile (NM_001406601.1, NM_001406602.1); c.2846C>T, p.Thr949Ile (NM_001406603.1, NM_001406604.1); c.2822C>T, p.Thr941Ile (NM_001406605.1, NM_001406606.1, NM_001406607.1); c.2819C>T, p.Thr940Ile (NM_001406608.1, NM_001406609.1); and 8 more; short protein forms T604I, T637I, T638I, T819I, T820I, T833I, T834I, T889I.
Identifiers: ClinVar variation 2413793 (VCV002413793.7), dbSNP rs1488726432, ClinGen allele CA375368837.

ClinVar aggregate classification (germline): Uncertain significance. Review status: criteria provided, multiple submitters, no conflicts (2 of 4 stars). 2 submissions from 2 submitters: Uncertain significance (2). Last evaluated 2024-08-19.

Conditions:
Hereditary cancer-predisposing syndrome. Also called: Hereditary neoplastic syndrome; Tumor predisposition; Neoplastic Syndromes, Hereditary; Hereditary Cancer Syndrome. Identifiers: Orphanet 140162, MedGen C0027672, MeSH D009386, MONDO:0015356.
Tuberous sclerosis 1 (TSC1). Identifiers: Orphanet 805, MedGen C1854465, MONDO:0008612, OMIM 191100.

Submissions (2):

Ambry Genetics
Classification: Uncertain significance for Hereditary cancer-predisposing syndrome. Last evaluated: 2024-08-19. Review status: criteria provided, single submitter. Criteria: Ambry Variant Classification Scheme 2023. Collection method: clinical testing. Allele origin: germline.
Comment: The p.T955I variant (also known as c.2864C>T), located in coding exon 20 of the TSC1 gene, results from a C to T substitution at nucleotide position 2864. The threonine at codon 955 is replaced by isoleucine, an amino acid with similar properties. This amino acid position is conserved. In addition, the in silico prediction for this alteration is inconclusive. Based on the available evidence, the clinical significance of this variant remains unclear.

Labcorp Genetics (formerly Invitae), Labcorp
Classification: Uncertain significance for Tuberous sclerosis 1. Last evaluated: 2022-10-19. Review status: criteria provided, single submitter. Criteria: Invitae Variant Classification Sherloc (09022015). Collection method: clinical testing. Allele origin: germline.
Comment: Advanced modeling of protein sequence and biophysical properties (such as structural, functional, and spatial information, amino acid conservation, physicochemical variation, residue mobility, and thermodynamic stability) performed at Invitae indicates that this missense variant is not expected to disrupt TSC1 protein function. In summary, the available evidence is currently insufficient to determine the role of this variant in disease. Therefore, it has been classified as a Variant of Uncertain Significance. This variant has not been reported in the literature in individuals affected with TSC1-related conditions. This variant is not present in population databases (gnomAD no frequency). This sequence change replaces threonine, which is neutral and polar, with isoleucine, which is neutral and non-polar, at codon 955 of the TSC1 protein (p.Thr955Ile).